The following is an entry in ClinVar:

NM_022455.5(NSD1):c.3393C>T (p.Asn1131=)

Gene: NSD1 (nuclear receptor binding SET domain protein 1; plus strand). Cytogenetic location: 5q35.3.
Variant type: single nucleotide variant.
Coding change: c.3393C>T on transcript NM_022455.5 (MANE Select); coding-DNA position 3393, C replaced by T.
Protein change: p.Asn1131=; no amino-acid change (asparagine 1131 retained).
Molecular consequence: synonymous variant.
Genome position (GRCh38, 1-based): chr5:177,211,792, C>T. VCF-style: chr5-177211792-C-T. GRCh37 (hg19) VCF-style: chr5-176638793-C-T.
Other names: c.2520C>T, p.Asn840= (NM_001365684.2, NM_001409306.1, NM_001409307.1 and 3 more transcripts); c.3393C>T, p.Asn1131= (NM_001409301.1, NM_001409302.1, NM_001409303.1); c.2973C>T, p.Asn991= (NM_001409304.1); c.2640C>T, p.Asn880= (NM_001409305.1).
Identifiers: ClinVar variation 96055 (VCV000096055.59), dbSNP rs150296373, ClinGen allele CA223673.

ClinVar aggregate classification (germline): Conflicting classifications of pathogenicity. Review status: criteria provided, conflicting classifications (1 of 4 stars). 10 submissions from 10 submitters: Uncertain significance (2); Benign (2); Likely benign (5). 1 of the submissions does not count toward it. Last evaluated 2026-04-24.

Conditions:
Sotos syndrome (SOTOS). Also called: CEREBRAL GIGANTISM; Distinctive facial appearance, overgrowth in childhood, and learning disabilities or delayed development; CHROMOSOME 5q35 DELETION SYNDROME; Sotos' syndrome; SOTOS SYNDROME 1. Identifiers: Orphanet 821, MedGen C0175695, MONDO:0019349, OMIM 117550.
NSD1-related disorder. Also called: NSD1-related condition.
Inborn genetic diseases. Identifiers: MedGen C0950123, MeSH D030342.

Allele frequency attached by ClinVar (database versions not stated): gnomAD exomes 0.00008 and 0.00016; ExAC 0.00020; 1000 Genomes Project 30x 0.00047; 1000 Genomes Project 0.00060; gnomAD 0.00067 and 0.00077; ESP Exome Variant Server 0.00069; TOPMed 0.00086.
gnomAD v4.1: 223 of 1,614,068 alleles (0.014%); highest among the groups gnomAD compares: African/African-American, 0.24%; no homozygotes.

Submissions (10):

Women's Health and Genetics/Laboratory Corporation of America, LabCorp
Classification: Likely benign. Last evaluated: 2026-04-24. Review status: criteria provided, single submitter. Criteria: LabCorp Variant Classification Summary - May 2015. Collection method: clinical testing. Allele origin: germline.

CeGaT Center for Human Genetics Tuebingen
Classification: Likely benign. Last evaluated: 2026-01-01. Review status: criteria provided, single submitter. Criteria: CeGaT Center For Human Genetics Tuebingen Variant Classification Criteria Version 2. Collection method: clinical testing. Allele origin: germline. Affected: yes. Observed: 3 variant alleles.
Comment: NSD1: BP4, BP7

Labcorp Genetics (formerly Invitae), Labcorp
Classification: Benign. Last evaluated: 2025-07-14. Review status: criteria provided, single submitter. Criteria: Invitae Variant Classification Sherloc (09022015). Collection method: clinical testing. Allele origin: germline.

Blueprint Genetics
Classification: Likely benign. Last evaluated: 2024-08-14. Review status: criteria provided, single submitter. Criteria: ACMG Guidelines, 2015. Collection method: clinical testing. Allele origin: germline.

Genome-Nilou Lab
Classification: Likely benign for Sotos syndrome. Last evaluated: 2021-07-15. Review status: criteria provided, single submitter. Criteria: ACMG Guidelines, 2015. Collection method: clinical testing. Allele origin: germline. Affected: no.

GeneDx
Classification: Benign. Last evaluated: 2021-04-22. Review status: criteria provided, single submitter. Criteria: GeneDx Variant Classification Process June 2021. Collection method: clinical testing. Allele origin: germline. Affected: yes.

Ambry Genetics
Classification: Likely benign for Inborn genetic diseases. Last evaluated: 2016-10-07. Review status: criteria provided, single submitter. Criteria: Ambry Variant Classification Scheme 2023. Collection method: clinical testing. Allele origin: germline.

Genetic Services Laboratory, University of Chicago
Classification: Uncertain significance for Sotos syndrome 1. Last evaluated: 2013-02-08. Review status: criteria provided, single submitter. Criteria: ACMG Guidelines, 2007. Collection method: clinical testing. Allele origin: germline. Inheritance: Autosomal dominant inheritance.

Eurofins Ntd Llc (ga)
Classification: Uncertain significance. Last evaluated: 2012-12-14. Review status: criteria provided, single submitter. Criteria: EGL Classification Definitions 2015. Collection method: clinical testing. Allele origin: germline. Observed: 1 variant allele, 1 heterozygote.

PreventionGenetics, part of Exact Sciences
Classification: Likely benign for NSD1-related condition. Last evaluated: 2023-09-14. Review status: no assertion criteria provided. Collection method: clinical testing. Allele origin: germline. Not counted in ClinVar's aggregate classification.
Comment: This variant is classified as likely benign based on ACMG/AMP sequence variant interpretation guidelines (Richards et al. 2015 PMID: 25741868, with internal and published modifications).